The following is an entry in ClinVar:

ClinVar aggregate classification (germline): Conflicting classifications of pathogenicity. Review status: criteria provided, conflicting classifications (1 of 4 stars). 8 submissions from 8 submitters: Uncertain significance (2); Likely benign (6). Last evaluated 2026-04-01.

Conditions:
Autoinflammation-PLCG2-associated antibody deficiency-immune dysregulation. Also called: AUTOINFLAMMATION, ANTIBODY DEFICIENCY, AND IMMUNE DYSREGULATION; Autoinflammation, antibody deficiency, and immune dysregulation syndrome; Autoinflammation, antibody deficiency, and immune dysregulation, plcg2-associated. Identifiers: Orphanet 324530, MedGen C3553961, MONDO:0013944, OMIM 614878.
Familial cold autoinflammatory syndrome 3 (FCAS3). Also called: ANTIBODY DEFICIENCY AND IMMUNE DYSREGULATION, PLCG2-ASSOCIATED; FAMILIAL ATYPICAL COLD URTICARIA. Identifiers: Orphanet 300359, MedGen C3280914, MONDO:0013766, OMIM 614468.
PLCG2-related disorder. Also called: PLCG2-related condition.

Allele frequency attached by ClinVar (database versions not stated): ESP Exome Variant Server 0.00049; gnomAD 0.00058 and 0.00060; 1000 Genomes Project 0.00060; ExAC 0.00060; 1000 Genomes Project 30x 0.00062; gnomAD exomes 0.00062; TOPMed 0.00067.
gnomAD v4.1: 1,397 of 1,614,134 alleles (0.087%); highest among the groups gnomAD compares: Non-Finnish European, 0.11%; 2 homozygotes.

Submissions (8):

CeGaT Center for Human Genetics Tuebingen
Classification: Likely benign. Last evaluated: 2026-04-01. Review status: criteria provided, single submitter. Criteria: CeGaT Center For Human Genetics Tuebingen Variant Classification Criteria Version 2. Collection method: clinical testing. Allele origin: germline. Affected: yes. Observed: 9 variant alleles.
Comment: PLCG2: BS1

Labcorp Genetics (formerly Invitae), Labcorp
Classification: Likely benign for Familial cold autoinflammatory syndrome 3. Last evaluated: 2026-01-05. Review status: criteria provided, single submitter. Criteria: Invitae Variant Classification Sherloc (09022015). Collection method: clinical testing. Allele origin: germline.

Mayo Clinic Laboratories, Mayo Clinic
Classification: Likely benign. Last evaluated: 2025-06-27. Review status: criteria provided, single submitter. Criteria: ACMG Guidelines, 2015. Collection method: clinical testing. Allele origin: germline. Observed: 3 variant alleles.
Comment: BS1, BP4_moderate

Women's Health and Genetics/Laboratory Corporation of America, LabCorp
Classification: Likely benign. Last evaluated: 2025-04-16. Review status: criteria provided, single submitter. Criteria: LabCorp Variant Classification Summary - May 2015. Collection method: clinical testing. Allele origin: germline.
Comment: Variant summary: PLCG2 c.77C>T (p.Thr26Met) results in a non-conservative amino acid change in the encoded protein sequence. Three of five in-silico tools predict a damaging effect of the variant on protein function. The variant allele was found at a frequency of 0.00062 in 249564 control chromosomes. The observed variant frequency is approximately 621-fold of the estimated maximal expected allele frequency for a pathogenic variant in PLCG2 causing Autoinflammation-PLCG2-associated antibody deficiency-immune dysregulation phenotype (1e-06). c.77C>T has been observed in individuals suspected of Autoinflammation-PLCG2-associated antibody deficiency-immune dysregulation (e.g. Welzel_2022). However, these report(s) do not provide unequivocal conclusions about association of the variant with Autoinflammation-PLCG2-associated antibody deficiency-immune dysregulation. To our knowledge, no experimental evidence demonstrating an impact on protein function has been reported. The following publication has been ascertained in the context of this evaluation (PMID: 35955991). ClinVar contains an entry for this variant (Variation ID: 618829). Based on the evidence outlined above, the variant was classified as likely benign.

PreventionGenetics, part of Exact Sciences
Classification: Likely benign for PLCG2-related condition. Last evaluated: 2025-02-17. Review status: criteria provided, single submitter. Criteria: ACMG Guidelines, 2015. Collection method: clinical testing. Allele origin: germline.
Comment: This variant is classified as likely benign based on ACMG/AMP sequence variant interpretation guidelines (Richards et al. 2015 PMID: 25741868, with internal and published modifications).

Blueprint Genetics
Classification: Likely benign. Last evaluated: 2024-11-19. Review status: criteria provided, single submitter. Criteria: ACMG Guidelines, 2015. Collection method: clinical testing. Allele origin: germline.

ARUP Laboratories, Molecular Genetics and Genomics, ARUP Laboratories
Classification: Uncertain significance. Last evaluated: 2017-07-31. Review status: criteria provided, single submitter. Criteria: ARUP Molecular Germline Variant Investigation Process. Collection method: clinical testing. Allele origin: germline.
Comment: The p.Thr26Met variant (rs189301790) has not been reported in the scientific medical literature or gene specific variant databases. This variant is listed in the genome Aggregation Database (gnomAD) with an overall population frequency of 0.06 percent (identified on 170 out of 277,184 chromosomes). Threonine at codon 26 is moderately conserved considering 11 species and Chinese hamster has methionine at this position suggesting that this amino acid change may be evolutionary tolerated. Additionally, computational analyses do not agree in their assessment of the impact of the variant on the protein (PolyPhen2: benign, SIFT: damaging, and Mutation Taster: disease causing). Altogether, the clinical significance of p.Thr26Met cannot be determined with certainty.

Center for Genomics, Ann and Robert H. Lurie Children's Hospital of Chicago
Classification: Uncertain significance for Autoinflammation-PLCG2-associated antibody deficiency-immune dysregulation; Familial cold autoinflammatory syndrome 3. Review status: criteria provided, single submitter. Criteria: ACMG Guidelines, 2015. Collection method: clinical testing. Allele origin: germline.
Comment: PLCG2 NM_002661.4 exon 2 p.Thr26Met (c.77C>T): This variant has not been reported in the literature but is present in 126/126700 European alleles in the Genome Aggregation Database. Evolutionary conservation and computational predictive tools for this variant are unclear. In summary, data on this variant is insufficient for disease classification. Therefore, the clinical significance of this variant is uncertain.

Literature cited by the submitters: PubMed 35955991 (cited by Mayo Clinic Laboratories, Mayo Clinic and Women's Health and Genetics/Laboratory Corporation of America, LabCorp).

NM_002661.5(PLCG2):c.77C>T (p.Thr26Met)

Gene: PLCG2 (phospholipase C gamma 2; plus strand). Cytogenetic location: 16q23.3.
Variant type: single nucleotide variant.
Coding change: c.77C>T on transcript NM_002661.5 (MANE Select); coding-DNA position 77, C replaced by T.
Protein change: p.Thr26Met; replaces threonine 26 with methionine.
Molecular consequence: missense variant.
Genome position (GRCh38, 1-based): chr16:81,786,066, C>T. VCF-style: chr16-81786066-C-T. GRCh37 (hg19) VCF-style: chr16-81819671-C-T.
Other names: short protein forms T26M.
Identifiers: ClinVar variation 618829 (VCV000618829.66), dbSNP rs189301790, ClinGen allele CA8193017.